The following is an entry in ClinVar:

NM_000441.2(SLC26A4):c.100C>T (p.Gln34Ter)

Genes: SLC26A4 (solute carrier family 26 member 4; plus strand), SLC26A4-AS1 (SLC26A4 antisense RNA 1; minus strand). Cytogenetic location: 7q22.3.
Variant type: single nucleotide variant.
Coding change: c.100C>T on transcript NM_000441.2 (MANE Select); coding-DNA position 100, C replaced by T.
Protein change: p.Gln34Ter; replaces glutamine 34 with a stop codon.
Molecular consequence: nonsense. On other transcripts: non-coding transcript variant (1).
Genome position (GRCh38, 1-based): chr7:107,661,741, C>T. VCF-style: chr7-107661741-C-T. GRCh37 (hg19) VCF-style: chr7-107302186-C-T.
Other names: short protein forms Q34*.
Identifiers: ClinVar variation 3601726 (VCV003601726.1).

ClinVar aggregate classification (germline): Pathogenic (1 of 4 stars; one submission).

Conditions:
Autosomal recessive nonsyndromic hearing loss 4 (DFNB4). Also called: Deafness, autosomal recessive 4; FOXI1-Related Pendred Syndrome; KCNJ10-Related Pendred Syndrome; DEAFNESS, AUTOSOMAL RECESSIVE 4, WITH ENLARGED VESTIBULAR AQUEDUCT, DIGENIC; NEUROSENSORY NONSYNDROMIC RECESSIVE DEAFNESS 4; Nonsyndromic enlarged vestibular aqueduct (NSEVA). Identifiers: Orphanet 90636, MedGen C3538946, MONDO:0010933, OMIM 600791.

gnomAD v4.1: 1 of 1,552,076 alleles (0.000064%); no homozygotes.

Submission:

Institute of Rare Diseases, West China Hospital, Sichuan University
Classification: Pathogenic for Autosomal recessive nonsyndromic hearing loss 4. Last evaluated: 2025-01-09. Review status: criteria provided, single submitter. Criteria: ClinGen HL ACMG Specifications v1. Collection method: research. Allele origin: germline. Affected: yes.
Comment: PVS1;PM3;PP4;PM2_Supporting